The following is an entry in ClinVar:

NM_000531.6(OTC):c.478A>T (p.Ile160Phe)

Gene: OTC (ornithine transcarbamylase; plus strand). Cytogenetic location: Xp11.4.
Variant type: single nucleotide variant.
Coding change: c.478A>T on transcript NM_000531.6 (MANE Select); coding-DNA position 478, A replaced by T.
Protein change: p.Ile160Phe; replaces isoleucine 160 with phenylalanine.
Molecular consequence: missense variant.
Genome position (GRCh38, 1-based): chrX:38,401,366, A>T. VCF-style: chrX-38401366-A-T. GRCh37 (hg19) VCF-style: chrX-38260619-A-T.
Other names: short protein forms I160F.
Identifiers: ClinVar variation 1486154 (VCV001486154.6), dbSNP rs2147341364, ClinGen allele CA412723564.

ClinVar aggregate classification (germline): Likely pathogenic (1 of 4 stars; one submission).

Conditions:
Ornithine carbamoyltransferase deficiency (OTCD). Also called: ORNITHINE TRANSCARBAMYLASE DEFICIENCY; ORNITHINE TRANSCARBAMYLASE DEFICIENCY, HYPERAMMONEMIA DUE TO; Ornithine Carbamoyltransferase Deficiency Disease; OTC DEFICIENCY. Identifiers: Orphanet 664, MedGen C0268542, MONDO:0010703, OMIM 311250.

Submission:

Labcorp Genetics (formerly Invitae), Labcorp
Classification: Likely pathogenic for Ornithine carbamoyltransferase deficiency. Last evaluated: 2021-09-05. Review status: criteria provided, single submitter. Criteria: Invitae Variant Classification Sherloc (09022015). Collection method: clinical testing. Allele origin: germline.
Comment: This sequence change replaces isoleucine with phenylalanine at codon 160 of the OTC protein (p.Ile160Phe). The isoleucine residue is moderately conserved and there is a small physicochemical difference between isoleucine and phenylalanine. This variant is not present in population databases (ExAC no frequency). This variant has not been reported in the literature in individuals affected with OTC-related conditions. Advanced modeling of protein sequence and biophysical properties (such as structural, functional, and spatial information, amino acid conservation, physicochemical variation, residue mobility, and thermodynamic stability) performed at Invitae indicates that this missense variant is expected to disrupt OTC protein function. This variant disrupts the p.Ile160 amino acid residue in OTC. Other variant(s) that disrupt this residue have been observed in individuals with OTC-related conditions (PMID: 11793483, 16786505, 28324312), which suggests that this may be a clinically significant amino acid residue. In summary, the currently available evidence indicates that the variant is pathogenic, but additional data are needed to prove that conclusively. Therefore, this variant has been classified as Likely Pathogenic.

Literature cited by the submitters: PubMed 11793483; PubMed 16786505; PubMed 28324312.